The following is an entry in ClinVar:

ClinVar aggregate classification (germline): Uncertain significance. Review status: criteria provided, multiple submitters, no conflicts (2 of 4 stars). 3 submissions from 3 submitters: Uncertain significance (3). Last evaluated 2025-09-25.

Conditions:
Loeys-Dietz syndrome 2 (LDS2). Also called: AORTIC ANEURYSM, FAMILIAL THORACIC 3; MARFAN SYNDROME, TYPE II; Marfan Syndrome type 2; Marfan like connective tissue disorder; MFS 2; TGFBR2-Related Loeys-Dietz Syndrome. Identifiers: Orphanet 284973, Orphanet 558, MedGen C2674574, MONDO:0012427, OMIM 610168.

Allele frequency attached by ClinVar (database versions not stated): gnomAD exomes below 0.00001; gnomAD 0.00001; TOPMed 0.00002.
gnomAD v4.1: 3 of 1,613,860 alleles (0.00019%); highest among the groups gnomAD compares: African/African-American, 0.0013%; no homozygotes.

Submissions (3):

Labcorp Genetics (formerly Invitae), Labcorp
Classification: Uncertain significance for Loeys-Dietz syndrome 2. Last evaluated: 2025-09-25. Review status: criteria provided, single submitter. Criteria: Invitae Variant Classification Sherloc (09022015). Collection method: clinical testing. Allele origin: germline.
Comment: This sequence change replaces methionine, which is neutral and non-polar, with threonine, which is neutral and polar, at codon 643 of the TMPO protein (p.Met643Thr). This variant is present in population databases (no rsID available, gnomAD 0.01%). This variant has not been reported in the literature in individuals affected with TMPO-related conditions. ClinVar contains an entry for this variant (Variation ID: 546079). Invitae Evidence Modeling of protein sequence and biophysical properties (such as structural, functional, and spatial information, amino acid conservation, physicochemical variation, residue mobility, and thermodynamic stability) indicates that this missense variant is not expected to disrupt TMPO protein function with a negative predictive value of 80%. In summary, the available evidence is currently insufficient to determine the role of this variant in disease. Therefore, it has been classified as a Variant of Uncertain Significance.

Ambry Genetics
Classification: Uncertain significance. Last evaluated: 2024-04-28. Review status: criteria provided, single submitter. Criteria: Ambry Variant Classification Scheme 2023. Collection method: clinical testing. Allele origin: germline.
Comment: The p.M643T variant (also known as c.1928T>C), located in coding exon 4 of the TMPO gene, results from a T to C substitution at nucleotide position 1928. The methionine at codon 643 is replaced by threonine, an amino acid with similar properties. This amino acid position is conserved. In addition, the in silico prediction for this alteration is inconclusive. Based on the available evidence, the clinical significance of this variant remains unclear.

GeneDx
Classification: Uncertain significance. Last evaluated: 2018-05-15. Review status: criteria provided, single submitter. Criteria: GeneDx Variant Classification (06012015). Collection method: clinical testing. Allele origin: germline. Affected: yes.
Comment: A variant of uncertain significance has been identified in the TMPO gene. The M643T variant has not been published as pathogenic or been reported as benign to our knowledge. This variant has also been observed in 1/8732 (0.01%) alleles from individuals of African ancestry in large population cohorts (Lek et al., 2016). The M643T variant is a non-conservative amino acid substitution, which is likely to impact secondary protein structure as these residues differ in polarity, charge, size and/or other properties. However, in-silico analyses, including protein predictors and evolutionary conservation, support that this variant does not alter protein structure/function.

NM_001032283.3(TMPO):c.565+2347T>C

Gene: TMPO (thymopoietin; plus strand). Cytogenetic location: 12q23.1.
Variant type: single nucleotide variant.
Coding change: c.565+2347T>C on transcript NM_001032283.3 (MANE Select); 2347 bases into the intron after coding-DNA position 565, T replaced by C.
Molecular consequence: intron variant. On other transcripts: missense variant (1).
Genome position (GRCh38, 1-based): chr12:98,534,185, T>C. VCF-style: chr12-98534185-T-C. GRCh37 (hg19) VCF-style: chr12-98927963-T-C.
Other names: c.1928T>C, p.Met643Thr (NM_003276.2); c.565+2347T>C (NM_001307975.2, NM_001032284.3); short protein forms M643T.
Identifiers: ClinVar variation 546079 (VCV000546079.6), dbSNP rs1450811229, ClinGen allele CA386154235.